The following is an entry in ClinVar:

ClinVar aggregate classification (germline): Uncertain significance (1 of 4 stars; one submission).

Allele frequency attached by ClinVar (database versions not stated): TOPMed below 0.00001.
gnomAD v4.1: 13 of 1,599,848 alleles (0.00081%); highest among the groups gnomAD compares: Non-Finnish European, 0.001%; no homozygotes.

Submission:

Women's Health and Genetics/Laboratory Corporation of America, LabCorp
Classification: Uncertain significance. Last evaluated: 2024-04-26. Review status: criteria provided, single submitter. Criteria: LabCorp Variant Classification Summary - May 2015. Collection method: clinical testing. Allele origin: germline.
Comment: Variant summary: EIF2B4 c.628G>A (p.Gly210Ser) results in a non-conservative amino acid change in the encoded protein sequence. Five of five in-silico tools predict a damaging effect of the variant on protein function. The variant allele was found at a frequency of 4.4e-06 in 225308 control chromosomes. The available data on variant occurrences in the general population are insufficient to allow any conclusion about variant significance. c.628G>A has been reported in the literature in at least one individual affected with Leukoencephalopathy With Vanishing White Matter (e.g. Zhang_2015). These data do not allow any conclusion about variant significance. To our knowledge, no experimental evidence demonstrating an impact on protein function has been reported. The following publication has been ascertained in the context of this evaluation (PMID: 25761052). No submitters have cited clinical-significance assessments for this variant to ClinVar. Based on the evidence outlined above, the variant was classified as uncertain significance.

Literature cited by the submitters: PubMed 25761052.

NM_001034116.2(EIF2B4):c.631G>A (p.Gly211Ser)

Gene: EIF2B4 (eukaryotic translation initiation factor 2B subunit delta; minus strand). Cytogenetic location: 2p23.3.
Variant type: single nucleotide variant.
Coding change: c.631G>A on transcript NM_001034116.2 (MANE Select); coding-DNA position 631, G replaced by A.
Protein change: p.Gly211Ser; replaces glycine 211 with serine.
Molecular consequence: missense variant.
Genome position (GRCh38, 1-based): chr2:27,368,099, C>T on the plus strand (G>A on the coding strand, the complement: EIF2B4 is on the minus strand). VCF-style: chr2-27368099-C-T. GRCh37 (hg19) VCF-style: chr2-27590966-C-T.
Other names: c.694G>A, p.Gly232Ser (NM_001318965.2); c.586G>A, p.Gly196Ser (NM_001318966.2); c.538G>A, p.Gly180Ser (NM_001318967.2); c.46G>A, p.Gly16Ser (NM_001318968.2); c.13G>A, p.Gly5Ser (NM_001318969.2); c.628G>A, p.Gly210Ser (NM_015636.4); c.691G>A, p.Gly231Ser (NM_172195.4); short protein forms G16S, G180S, G196S, G210S, G211S, G231S, G232S, G5S.
Identifiers: ClinVar variation 3251667 (VCV003251667.1), dbSNP rs1332546889.